The following is an entry in ClinVar:

ClinVar aggregate classification (germline): Uncertain significance (1 of 4 stars; one submission).

gnomAD v4.1: 2 of 1,613,334 alleles (0.00012%); highest among the groups gnomAD compares: African/African-American, 0.0027%; no homozygotes.

Submission:

Labcorp Genetics (formerly Invitae), Labcorp
Classification: Uncertain significance. Last evaluated: 2025-12-15. Review status: criteria provided, single submitter. Criteria: Invitae Variant Classification Sherloc (09022015). Collection method: clinical testing. Allele origin: germline.
Comment: This sequence change replaces glutamine, which is neutral and polar, with arginine, which is basic and polar, at codon 545 of the COL7A1 protein (p.Gln545Arg). The frequency data for this variant in the population databases is considered unreliable, as metrics indicate poor data quality at this position in the gnomAD database. This variant has not been reported in the literature in individuals affected with COL7A1-related conditions. ClinVar contains an entry for this variant (Variation ID: 3716309). Experimental studies and prediction algorithms are not available or were not evaluated, and the functional significance of this variant is currently unknown. In summary, the available evidence is currently insufficient to determine the role of this variant in disease. Therefore, it has been classified as a Variant of Uncertain Significance.

NM_000094.4(COL7A1):c.1634A>G (p.Gln545Arg)

Gene: COL7A1 (collagen type VII alpha 1 chain; minus strand). Cytogenetic location: 3p21.31.
Variant type: single nucleotide variant.
Coding change: c.1634A>G on transcript NM_000094.4 (MANE Select); coding-DNA position 1634, A replaced by G.
Protein change: p.Gln545Arg; replaces glutamine 545 with arginine.
Molecular consequence: missense variant.
Genome position (GRCh38, 1-based): chr3:48,591,466, T>C on the plus strand (A>G on the coding strand, the complement: COL7A1 is on the minus strand). VCF-style: chr3-48591466-T-C. GRCh37 (hg19) VCF-style: chr3-48628899-T-C.
Other names: short protein forms Q545R.
Identifiers: ClinVar variation 3716309 (VCV003716309.2).
Genomic context (GRCh38, chr3:48,591,466, plus strand): 5'-ACCCCTCAGGCTGGAACTTCAGTGTGTGTGGTGGGGGTGCTGGCTGCGTCCACCTCACCC[T>C]GGGTGCTGCGCACAATGATGCGGTACTGGGTGGCACCAGGGACTGGGCTCCAGGACACTC-3'
Protein context (NP_000085.1, residues 535-555): TQYRIIVRST[Gln545Arg]GVERTLVLPG